The following is an entry in ClinVar:

NM_007294.4(BRCA1):c.5006C>G (p.Ala1669Gly)

Gene: BRCA1 (BRCA1 DNA repair associated; minus strand). Cytogenetic location: 17q21.31.
Variant type: single nucleotide variant.
Coding change: c.5006C>G on transcript NM_007294.4 (MANE Select); coding-DNA position 5006, C replaced by G.
Protein change: p.Ala1669Gly; replaces alanine 1669 with glycine.
Molecular consequence: missense variant. On other transcripts: non-coding transcript variant (1).
Genome position (GRCh38, 1-based): chr17:43,067,676, G>C on the plus strand (C>G on the coding strand, the complement: BRCA1 is on the minus strand). VCF-style: chr17-43067676-G-C. GRCh37 (hg19) VCF-style: chr17-41219693-G-C.
Other names: c.4793C>G, p.Ala1598Gly (NM_001407571.1, NM_001407894.1, NM_001407908.1 and 12 more transcripts); c.5072C>G, p.Ala1691Gly (NM_001407581.1, NM_001407582.1); c.5069C>G, p.Ala1690Gly (NM_001407583.1, NM_001407585.1, NM_001407587.1 and 1 more transcripts); c.5066C>G, p.Ala1689Gly (NM_001407590.1, NM_001407591.1); c.5006C>G, p.Ala1669Gly (NM_001407593.1, NM_001407594.1, NM_001407596.1 and 8 more transcripts); c.5003C>G, p.Ala1668Gly (NM_001407615.1, NM_001407616.1, NM_001407617.1 and 17 more transcripts); c.5000C>G, p.Ala1667Gly (NM_001407634.1, NM_001407635.1, NM_001407636.1 and 14 more transcripts); c.4925C>G, p.Ala1642Gly (NM_001407656.1, NM_001407657.1, NM_001407658.1); and 70 more; short protein forms A1690G, A1622G, A1669G, A565G, A1500G, A1515G, A1540G, A1558G.
Identifiers: ClinVar variation 865523 (VCV000865523.3), dbSNP rs1057518640, ClinGen allele CA10591507.

Conditions:
Breast-ovarian cancer, familial, susceptibility to, 1 (BROVCA1). Also called: BRCA1 Hereditary Breast and Ovarian Cancer; OVARIAN CANCER, SUSCEPTIBILITY TO. Identifiers: Orphanet 145, MedGen C2676676, MONDO:0011450, OMIM 604370. Disease mechanism: loss of function.

Submission:

Brotman Baty Institute, University of Washington
No classification provided (evidence only). Condition: Breast-ovarian cancer, familial 1. Review status: no classification provided. Collection method: in vitro. Allele origin: not applicable. Functional consequence: functionally_normal.
ClinVar note: "not provided" was previously submitted as the classification for the variant. However, the classification appeared to be based only on an observation of functional data so it was converted to no classification on 2025-07-30.